The following is an entry in ClinVar:

NM_001232.4(CASQ2):c.1121A>G (p.Asp374Gly)

Gene: CASQ2 (calsequestrin 2; minus strand). Cytogenetic location: 1p13.1.
Variant type: single nucleotide variant.
Coding change: c.1121A>G on transcript NM_001232.4 (MANE Select); coding-DNA position 1121, A replaced by G.
Protein change: p.Asp374Gly; replaces aspartic acid 374 with glycine.
Molecular consequence: missense variant.
Genome position (GRCh38, 1-based): chr1:115,701,320, T>C on the plus strand (A>G on the coding strand, the complement: CASQ2 is on the minus strand). VCF-style: chr1-115701320-T-C. GRCh37 (hg19) VCF-style: chr1-116243941-T-C.
Other names: short protein forms D374G.
Identifiers: ClinVar variation 532349 (VCV000532349.9), dbSNP rs886045158, ClinGen allele CA341766313.
Genomic context (GRCh38, chr1:115,701,320, plus strand): 5'-TCACTGTCATCATTATCCTCTTCATCAGAATTATCATCATCATCATCATCTTCATCATCA[T>C]CTTCAGTGTTTATCTTTCCAGAAAGCACATCCTCAATCCAGTCCTCCAGCTCCTCAGCAG-3'
Protein context (NP_001223.2, residues 364-384): DVLSGKINTE[Asp374Gly]DDEDDDDDDN

ClinVar aggregate classification (germline): Uncertain significance (1 of 4 stars; one submission).

Conditions:
Catecholaminergic polymorphic ventricular tachycardia 1. Also called: VENTRICULAR TACHYCARDIA, CATECHOLAMINERGIC POLYMORPHIC, 1, WITH OR WITHOUT ATRIAL DYSFUNCTION AND/OR DILATED CARDIOMYOPATHY; RYR2-Related Catecholaminergic Polymorphic Ventricular Tachycardia; VENTRICULAR TACHYCARDIA, STRESS-INDUCED POLYMORPHIC 1. Identifiers: Orphanet 3286, MedGen C1631597, MONDO:0011484, OMIM 604772.

Allele frequency attached by ClinVar (database versions not stated): TOPMed 0.00001; gnomAD exomes 0.00002 and 0.00003; gnomAD 0.00005 and 0.00006.
gnomAD v4.1: 17 of 1,607,550 alleles (0.0011%); highest among the groups gnomAD compares: Admixed American, 0.028%; no homozygotes.

Submission:

Labcorp Genetics (formerly Invitae), Labcorp
Classification: Uncertain significance for Catecholaminergic polymorphic ventricular tachycardia 1. Last evaluated: 2025-09-10. Review status: criteria provided, single submitter. Criteria: Invitae Variant Classification Sherloc (09022015). Collection method: clinical testing. Allele origin: germline.
Comment: This sequence change replaces aspartic acid, which is acidic and polar, with glycine, which is neutral and non-polar, at codon 374 of the CASQ2 protein (p.Asp374Gly). The frequency data for this variant in the population databases is considered unreliable, as metrics indicate poor data quality at this position in the gnomAD database. This variant has not been reported in the literature in individuals affected with CASQ2-related conditions. ClinVar contains an entry for this variant (Variation ID: 532349). Invitae Evidence Modeling of protein sequence and biophysical properties (such as structural, functional, and spatial information, amino acid conservation, physicochemical variation, residue mobility, and thermodynamic stability) indicates that this missense variant is not expected to disrupt CASQ2 protein function with a negative predictive value of 80%. Algorithms developed to predict the effect of sequence changes on RNA splicing suggest that this variant may create or strengthen a splice site. In summary, the available evidence is currently insufficient to determine the role of this variant in disease. Therefore, it has been classified as a Variant of Uncertain Significance.